The following is an entry in ClinVar:

ClinVar aggregate classification (germline): Uncertain significance (1 of 4 stars; one submission).

Conditions:
Catecholaminergic polymorphic ventricular tachycardia 1. Also called: VENTRICULAR TACHYCARDIA, CATECHOLAMINERGIC POLYMORPHIC, 1, WITH OR WITHOUT ATRIAL DYSFUNCTION AND/OR DILATED CARDIOMYOPATHY; VENTRICULAR TACHYCARDIA, STRESS-INDUCED POLYMORPHIC 1; RYR2-Related Catecholaminergic Polymorphic Ventricular Tachycardia. Identifiers: Orphanet 3286, MedGen C1631597, MONDO:0011484, OMIM 604772.

Submission:

Labcorp Genetics (formerly Invitae), Labcorp
Classification: Uncertain significance for Catecholaminergic polymorphic ventricular tachycardia 1. Last evaluated: 2023-01-31. Review status: criteria provided, single submitter. Criteria: Invitae Variant Classification Sherloc (09022015). Collection method: clinical testing. Allele origin: germline.
Comment: In summary, the available evidence is currently insufficient to determine the role of this variant in disease. Therefore, it has been classified as a Variant of Uncertain Significance. Advanced modeling of protein sequence and biophysical properties (such as structural, functional, and spatial information, amino acid conservation, physicochemical variation, residue mobility, and thermodynamic stability) performed at Invitae indicates that this missense variant is not expected to disrupt RYR2 protein function. This variant has not been reported in the literature in individuals affected with RYR2-related conditions. This variant is not present in population databases (gnomAD no frequency). This sequence change replaces tyrosine, which is neutral and polar, with histidine, which is basic and polar, at codon 846 of the RYR2 protein (p.Tyr846His).

NM_001035.3(RYR2):c.2536T>C (p.Tyr846His)

Gene: RYR2 (ryanodine receptor 2; plus strand). Cytogenetic location: 1q43.
Variant type: single nucleotide variant.
Coding change: c.2536T>C on transcript NM_001035.3 (MANE Select); coding-DNA position 2536, T replaced by C.
Protein change: p.Tyr846His; replaces tyrosine 846 with histidine.
Molecular consequence: missense variant.
Genome position (GRCh38, 1-based): chr1:237,503,428, T>C. VCF-style: chr1-237503428-T-C. GRCh37 (hg19) VCF-style: chr1-237666728-T-C.
Other names: short protein forms Y846H.
Identifiers: ClinVar variation 2833177 (VCV002833177.3), dbSNP rs2545891327, ClinGen allele CA345379382.